The following is an entry in ClinVar:

ClinVar aggregate classification (germline): Pathogenic. Review status: criteria provided, multiple submitters, no conflicts (2 of 4 stars). 3 submissions from 3 submitters: Pathogenic (3). Last evaluated 2022-09-07.

Conditions:
Autosomal recessive ataxia, Beauce type. Also called: SYNE1 Deficiency; Spinocerebellar ataxia, autosomal recessive 8; SYNE1-Related Autosomal Recessive Cerebellar Ataxia; ATAXIA, RECESSIVE, OF BEAUCE. Identifiers: Orphanet 88644, MedGen C1853116, MONDO:0012549, OMIM 610743.
Emery-Dreifuss muscular dystrophy 4, autosomal dominant (EDMD4). Also called: EMERY-DREIFUSS MUSCULAR DYSTROPHY 4 WITH VARIABLE FEATURES. Identifiers: Orphanet 261, MedGen C2751807, MONDO:0013071, OMIM 612998.

Allele frequency attached by ClinVar (database versions not stated): gnomAD exomes 0.00001 and 0.00003; TOPMed 0.00001; gnomAD 0.00002; ExAC 0.00004; ESP Exome Variant Server 0.00008.
gnomAD v4.1: 23 of 1,613,992 alleles (0.0014%); highest among the groups gnomAD compares: East Asian, 0.0022%; no homozygotes.

Submissions (3):

Labcorp Genetics (formerly Invitae), Labcorp
Classification: Pathogenic for Emery-Dreifuss muscular dystrophy 4, autosomal dominant; Autosomal recessive ataxia, Beauce type. Last evaluated: 2022-09-07. Review status: criteria provided, single submitter. Criteria: Invitae Variant Classification Sherloc (09022015). Collection method: clinical testing. Allele origin: germline.
Comment: For these reasons, this variant has been classified as Pathogenic. ClinVar contains an entry for this variant (Variation ID: 498361). This variant has not been reported in the literature in individuals affected with SYNE1-related conditions. This variant is present in population databases (rs375077588, gnomAD 0.008%). This sequence change creates a premature translational stop signal (p.Arg4811*) in the SYNE1 gene. It is expected to result in an absent or disrupted protein product. Loss-of-function variants in SYNE1 are known to be pathogenic (PMID: 19542096, 24319099, 27086870).

CeGaT Center for Human Genetics Tuebingen
Classification: Pathogenic. Last evaluated: 2022-05-01. Review status: criteria provided, single submitter. Criteria: CeGaT Center For Human Genetics Tuebingen Variant Classification Criteria Version 2. Collection method: clinical testing. Allele origin: germline. Affected: yes. Observed: 1 variant allele.
Comment: SYNE1: PVS1, PM2

Eurofins Ntd Llc (ga)
Classification: Pathogenic. Last evaluated: 2016-11-17. Review status: criteria provided, single submitter. Criteria: EGL Classification Definitions 2015. Collection method: clinical testing. Allele origin: germline. Observed: 1 variant allele, 1 heterozygote.

Literature cited by the submitters: PubMed 19542096 (cited by Labcorp Genetics (formerly Invitae), Labcorp); PubMed 24319099 (cited by Labcorp Genetics (formerly Invitae), Labcorp); PubMed 27086870 (cited by Labcorp Genetics (formerly Invitae), Labcorp).

NM_182961.4(SYNE1):c.14644C>T (p.Arg4882Ter)

Gene: SYNE1 (spectrin repeat containing nuclear envelope protein 1; minus strand). Cytogenetic location: 6q25.2.
Variant type: single nucleotide variant.
Coding change: c.14644C>T on transcript NM_182961.4 (MANE Select); coding-DNA position 14644, C replaced by T.
Protein change: p.Arg4882Ter; replaces arginine 4882 with a stop codon.
Molecular consequence: nonsense.
Genome position (GRCh38, 1-based): chr6:152,330,041, G>A on the plus strand (C>T on the coding strand, the complement: SYNE1 is on the minus strand). VCF-style: chr6-152330041-G-A. GRCh37 (hg19) VCF-style: chr6-152651176-G-A.
Other names: c.14431C>T, p.Arg4811Ter (NM_033071.5); short protein forms R4811*, R4882*.
Identifiers: ClinVar variation 498361 (VCV000498361.43), dbSNP rs375077588, ClinGen allele CA4055974.